The following is an entry in ClinVar:

NM_003907.3(EIF2B5):c.700A>G (p.Ser234Gly)

Gene: EIF2B5 (eukaryotic translation initiation factor 2B subunit epsilon; plus strand). Cytogenetic location: 3q27.1.
Variant type: single nucleotide variant.
Coding change: c.700A>G on transcript NM_003907.3 (MANE Select); coding-DNA position 700, A replaced by G.
Protein change: p.Ser234Gly; replaces serine 234 with glycine.
Molecular consequence: missense variant.
Genome position (GRCh38, 1-based): chr3:184,138,181, A>G. VCF-style: chr3-184138181-A-G. GRCh37 (hg19) VCF-style: chr3-183855969-A-G.
Other names: short protein forms S234G.
Identifiers: ClinVar variation 1640461 (VCV001640461.10), dbSNP rs760749378, ClinGen allele CA2726462.

ClinVar aggregate classification (germline): Conflicting classifications of pathogenicity. Review status: criteria provided, conflicting classifications (1 of 4 stars). 2 submissions from 2 submitters: Uncertain significance (1); Likely benign (1). Last evaluated 2026-06-01.

Allele frequency attached by ClinVar (database versions not stated): gnomAD exomes 0.00002 and 0.00006; gnomAD 0.00003; TOPMed 0.00003; ExAC 0.00007.
gnomAD v4.1: 43 of 1,614,036 alleles (0.0027%); highest among the groups gnomAD compares: Non-Finnish European, 0.000085%; no homozygotes.

Submissions (2):

CeGaT Center for Human Genetics Tuebingen
Classification: Uncertain significance. Last evaluated: 2026-06-01. Review status: criteria provided, single submitter. Criteria: CeGaT Center For Human Genetics Tuebingen Variant Classification Criteria Version 2. Collection method: clinical testing. Allele origin: germline. Affected: yes. Observed: 1 variant allele.
Comment: EIF2B5: PM2, PM3:Supporting

Labcorp Genetics (formerly Invitae), Labcorp
Classification: Likely benign. Last evaluated: 2026-01-20. Review status: criteria provided, single submitter. Criteria: Invitae Variant Classification Sherloc (09022015). Collection method: clinical testing. Allele origin: germline.